The following is an entry in ClinVar:

ClinVar aggregate classification (germline): Uncertain significance (1 of 4 stars; one submission).

Conditions:
GM1 gangliosidosis. Identifiers: Orphanet 354, MedGen C0085131, MONDO:0018149.

Allele frequency attached by ClinVar (database versions not stated): gnomAD exomes below 0.00001.
gnomAD v4.1: 1 of 1,614,110 alleles (0.000062%); highest among the groups gnomAD compares: East Asian, 0.0022%; no homozygotes.

Submission:

Women's Health and Genetics/Laboratory Corporation of America, LabCorp
Classification: Uncertain significance. Last evaluated: 2024-11-15. Review status: criteria provided, single submitter. Criteria: LabCorp Variant Classification Summary - May 2015. Collection method: clinical testing. Allele origin: germline.
Comment: Variant summary: GLB1 c.574T>C (p.Tyr192His) results in a conservative amino acid change located in the Glycosyl hydrolases family 35 domain (IPR031330) of the encoded protein sequence. Four of five in-silico tools predict a damaging effect of the variant on protein function. The variant allele was found at a frequency of 4e-06 in 248056 control chromosomes. c.574T>C has been reported in the literature in compound heterozygous individuals affected with Mucopolysaccharidosis Type IVB (Morquio Syndrome B) (Vanderver_2016, King_2020, Noh_2022). These data indicate that the variant may be associated with disease. To our knowledge, no experimental evidence demonstrating an impact on protein function has been reported. The following publications have been ascertained in the context of this evaluation (PMID: 33240792, 35029890, 27159321). ClinVar contains an entry for this variant (Variation ID: 918052). Based on the evidence outlined above, the variant was classified as VUS-possibly pathogenic.

Literature cited by the submitters: PubMed 33240792 (cited by Women's Health and Genetics/Laboratory Corporation of America, LabCorp); PubMed 27159321 (cited by Women's Health and Genetics/Laboratory Corporation of America, LabCorp); PubMed 35029890 (cited by Women's Health and Genetics/Laboratory Corporation of America, LabCorp).

NM_000404.4(GLB1):c.574T>C (p.Tyr192His)

Gene: GLB1 (galactosidase beta 1; minus strand). Cytogenetic location: 3p22.3.
Variant type: single nucleotide variant.
Coding change: c.574T>C on transcript NM_000404.4 (MANE Select); coding-DNA position 574, T replaced by C.
Protein change: p.Tyr192His; replaces tyrosine 192 with histidine.
Molecular consequence: missense variant. On other transcripts: intron variant (1).
Genome position (GRCh38, 1-based): chr3:33,058,248, A>G on the plus strand (T>C on the coding strand, the complement: GLB1 is on the minus strand). VCF-style: chr3-33058248-A-G. GRCh37 (hg19) VCF-style: chr3-33099740-A-G.
Other names: c.484T>C, p.Tyr162His (NM_001079811.3); c.718T>C, p.Tyr240His (NM_001317040.2); c.574T>C, p.Tyr192His (NM_001393580.1); c.341-4699T>C (NM_001135602.3); short protein forms Y162H, Y192H, Y240H.
Identifiers: ClinVar variation 918052 (VCV000918052.5), dbSNP rs1408171481, ClinGen allele CA352004817.